The following is an entry in ClinVar:

NM_001032283.3(TMPO):c.565+1111C>T

Gene: TMPO (thymopoietin; plus strand). Cytogenetic location: 12q23.1.
Variant type: single nucleotide variant.
Coding change: c.565+1111C>T on transcript NM_001032283.3 (MANE Select); 1111 bases into the intron after coding-DNA position 565, C replaced by T.
Molecular consequence: intron variant. On other transcripts: missense variant (1).
Genome position (GRCh38, 1-based): chr12:98,532,949, C>T. VCF-style: chr12-98532949-C-T. GRCh37 (hg19) VCF-style: chr12-98926727-C-T.
Other names: c.692C>T, p.Pro231Leu (NM_003276.2); c.565+1111C>T (NM_001307975.2, NM_001032284.3); short protein forms P231L.
Identifiers: ClinVar variation 4187419 (VCV004187419.1).
Genomic context (GRCh38, chr12:98,532,949, plus strand): 5'-CTACTCCCTCTGGTGGTGGATTTTTTCAGGGTATTTCTTTTCCTGAAATCTCCACCCGTC[C>T]TCCTTTGGGCAGTACCGAACTACAGGCAGCTAAGAAAGTACATACTTCTAAGGGAGACCT-3'

ClinVar aggregate classification (germline): Uncertain significance (1 of 4 stars; one submission).

Submission:

Ambry Genetics
Classification: Uncertain significance. Last evaluated: 2025-07-13. Review status: criteria provided, single submitter. Criteria: Ambry Variant Classification Scheme 2023. Collection method: clinical testing. Allele origin: germline.
Comment: The p.P231L variant (also known as c.692C>T), located in coding exon 4 of the TMPO gene, results from a C to T substitution at nucleotide position 692. The proline at codon 231 is replaced by leucine, an amino acid with similar properties. This amino acid position is conserved. In addition, this alteration is predicted to be tolerated by in silico analysis. Based on the available evidence, the clinical significance of this variant remains unclear.